The following is an entry in ClinVar:

ClinVar aggregate classification (germline): Uncertain significance. Review status: criteria provided, multiple submitters, no conflicts (2 of 4 stars). 2 submissions from 2 submitters: Uncertain significance (2). Last evaluated 2023-05-17.

Allele frequency attached by ClinVar (database versions not stated): gnomAD 0.00001; TOPMed 0.00001; ExAC 0.00003; gnomAD exomes 0.00003.
gnomAD v4.1: 13 of 1,589,608 alleles (0.00082%); highest among the groups gnomAD compares: East Asian, 0.0024%; no homozygotes.

Submissions (2):

Labcorp Genetics (formerly Invitae), Labcorp
Classification: Uncertain significance. Last evaluated: 2023-05-17. Review status: criteria provided, single submitter. Criteria: Invitae Variant Classification Sherloc (09022015). Collection method: clinical testing. Allele origin: germline.
Comment: In summary, the available evidence is currently insufficient to determine the role of this variant in disease. Therefore, it has been classified as a Variant of Uncertain Significance. An algorithm developed to predict the effect of missense changes on protein structure and function (PolyPhen-2) suggests that this variant is likely to be disruptive. ClinVar contains an entry for this variant (Variation ID: 1449940). This variant has not been reported in the literature in individuals affected with ABRAXAS1-related conditions. This variant is present in population databases (rs751509771, gnomAD 0.005%). This sequence change replaces serine, which is neutral and polar, with glycine, which is neutral and non-polar, at codon 5 of the ABRAXAS1 protein (p.Ser5Gly).

Breakthrough Genomics
Classification: Uncertain significance. Review status: criteria provided, single submitter. Criteria: ACMG Guidelines, 2015. Collection method: not provided. Allele origin: germline. Inheritance: Unknown mechanism. Affected: yes.

NM_139076.3(ABRAXAS1):c.13A>G (p.Ser5Gly)

Genes: ABRAXAS1 (abraxas 1, BRCA1 A complex subunit; minus strand), LOC129992784 (ATAC-STARR-seq lymphoblastoid silent region 15542; plus strand). Cytogenetic location: 4q21.23.
Variant type: single nucleotide variant.
Coding change: c.13A>G on transcript NM_139076.3 (MANE Select); coding-DNA position 13, A replaced by G.
Protein change: p.Ser5Gly; replaces serine 5 with glycine.
Molecular consequence: missense variant. On other transcripts: 5 prime UTR variant (1).
Genome position (GRCh38, 1-based): chr4:83,485,060, T>C on the plus strand (A>G on the coding strand, the complement: ABRAXAS1 is on the minus strand). VCF-style: chr4-83485060-T-C. GRCh37 (hg19) VCF-style: chr4-84406213-T-C.
Other names: c.-248A>G (NM_001345962.2); short protein forms S5G.
Identifiers: ClinVar variation 1449940 (VCV001449940.9), dbSNP rs751509771, ClinGen allele CA2990690.